The following is an entry in ClinVar:

NM_001297.5(CNGB1):c.3506C>T (p.Ala1169Val)

Gene: CNGB1 (cyclic nucleotide gated channel subunit beta 1; minus strand). Cytogenetic location: 16q21.
Variant type: single nucleotide variant.
Coding change: c.3506C>T on transcript NM_001297.5 (MANE Select); coding-DNA position 3506, C replaced by T.
Protein change: p.Ala1169Val; replaces alanine 1169 with valine.
Molecular consequence: missense variant.
Genome position (GRCh38, 1-based): chr16:57,884,414, G>A on the plus strand (C>T on the coding strand, the complement: CNGB1 is on the minus strand). VCF-style: chr16-57884414-G-A. GRCh37 (hg19) VCF-style: chr16-57918318-G-A.
Other names: c.3488C>T, p.Ala1163Val (NM_001286130.2); short protein forms A1169V, A1163V.
Identifiers: ClinVar variation 1345712 (VCV001345712.9), dbSNP rs770227227, ClinGen allele CA8082524.

ClinVar aggregate classification (germline): Uncertain significance. Review status: criteria provided, multiple submitters, no conflicts (2 of 4 stars). 2 submissions from 2 submitters: Uncertain significance (2). Last evaluated 2022-07-19.

Allele frequency attached by ClinVar (database versions not stated): ExAC 0.00001; gnomAD exomes 0.00001; gnomAD 0.00003; TOPMed 0.00005.
gnomAD v4.1: 11 of 1,613,544 alleles (0.00068%); highest among the groups gnomAD compares: African/African-American, 0.013%; no homozygotes.

Submissions (2):

Labcorp Genetics (formerly Invitae), Labcorp
Classification: Uncertain significance. Last evaluated: 2022-07-19. Review status: criteria provided, single submitter. Criteria: Invitae Variant Classification Sherloc (09022015). Collection method: clinical testing. Allele origin: germline.
Comment: In summary, the available evidence is currently insufficient to determine the role of this variant in disease. Therefore, it has been classified as a Variant of Uncertain Significance. Advanced modeling of protein sequence and biophysical properties (such as structural, functional, and spatial information, amino acid conservation, physicochemical variation, residue mobility, and thermodynamic stability) performed at Invitae indicates that this missense variant is not expected to disrupt CNGB1 protein function. ClinVar contains an entry for this variant (Variation ID: 1345712). This variant has not been reported in the literature in individuals affected with CNGB1-related conditions. The frequency data for this variant in the population databases is considered unreliable, as metrics indicate poor data quality at this position in the gnomAD database. This sequence change replaces alanine, which is neutral and non-polar, with valine, which is neutral and non-polar, at codon 1169 of the CNGB1 protein (p.Ala1169Val).

Blueprint Genetics
Classification: Uncertain significance. Last evaluated: 2019-10-09. Review status: criteria provided, single submitter. Criteria: ACMG Guidelines, 2015. Collection method: clinical testing. Allele origin: germline.